The following is an entry in ClinVar:

NM_000157.4(GBA1):c.613C>T (p.Gln205Ter)

Genes: GBA1 (glucosylceramidase beta 1; minus strand), LOC106627981 (GBA recombination region; plus strand). Cytogenetic location: 1q22.
Variant type: single nucleotide variant.
Coding change: c.613C>T on transcript NM_000157.4 (MANE Select); coding-DNA position 613, C replaced by T.
Protein change: p.Gln205Ter; replaces glutamine 205 with a stop codon.
Molecular consequence: nonsense.
Genome position (GRCh38, 1-based): chr1:155,238,282, G>A on the plus strand (C>T on the coding strand, the complement: GBA1 is on the minus strand). VCF-style: chr1-155238282-G-A. GRCh37 (hg19) VCF-style: chr1-155208073-G-A.
Other names: c.613C>T, p.Gln205Ter (NM_001005741.3, NM_001005742.3); c.352C>T, p.Gln118Ter (NM_001171811.2); c.466C>T, p.Gln156Ter (NM_001171812.2); short protein forms Q118*, Q156*, Q205*.
Identifiers: ClinVar variation 4817784 (VCV004817784.1).

ClinVar aggregate classification (germline): Likely pathogenic (1 of 4 stars; one submission).

Conditions:
Gaucher disease. Also called: Acute cerebral Gaucher disease; Cerebroside lipidosis syndrome; Gaucher splenomegaly; Sphingolipidosis 1; Glucocerebrosidosis; Glucosylceramidase deficiency. Identifiers: Orphanet 355, MedGen C0017205, MONDO:0018150.

Submission:

Natera, Inc.
Classification: Likely pathogenic for Gaucher disease. Last evaluated: 2025-11-10. Review status: criteria provided, single submitter. Criteria: Natera Variant Classification Schema (03/2026). Collection method: clinical testing. Allele origin: germline.
Comment: The c.613C>T variant in GBA1 is a nonsense variant predicted to introduce a stop codon at amino acid 205. This variant is expected to result in nonsense mediated decay, truncation, or a dysfunctional protein product. This variant is rare in the general population with a frequency below the threshold expected for the associated phenotype(s). Given the available evidence, this variant is classified as Likely Pathogenic.